The following is an entry in ClinVar:

ClinVar aggregate classification (germline): Uncertain significance (1 of 4 stars; one submission).

gnomAD v4.1: 1 of 1,607,790 alleles (0.000062%); no homozygotes.

Submission:

Ambry Genetics
Classification: Uncertain significance. Last evaluated: 2025-03-20. Review status: criteria provided, single submitter. Criteria: Ambry Variant Classification Scheme 2023. Collection method: clinical testing. Allele origin: germline.
Comment: The p.P792L variant (also known as c.2375C>T), located in coding exon 10 of the WNK2 gene, results from a C to T substitution at nucleotide position 2375. The proline at codon 792 is replaced by leucine, an amino acid with similar properties. This amino acid position is conserved. In addition, the in silico prediction for this alteration is inconclusive. Based on the available evidence, the clinical significance of this variant remains unclear.

NM_006648.4(WNK2):c.2375C>T (p.Pro792Leu)

Gene: WNK2 (WNK lysine deficient protein kinase 2; plus strand). Cytogenetic location: 9q22.31.
Variant type: single nucleotide variant.
Coding change: c.2375C>T on transcript NM_006648.4 (MANE Select); coding-DNA position 2375, C replaced by T.
Protein change: p.Pro792Leu; replaces proline 792 with leucine.
Molecular consequence: missense variant.
Genome position (GRCh38, 1-based): chr9:93,257,132, C>T. VCF-style: chr9-93257132-C-T. GRCh37 (hg19) VCF-style: chr9-96019414-C-T.
Other names: c.2375C>T, p.Pro792Leu (NM_001282394.3); short protein forms P792L.
Identifiers: ClinVar variation 3981680 (VCV003981680.1).